The following is an entry in ClinVar:

NM_001854.4(COL11A1):c.3197G>A (p.Gly1066Asp)

Gene: COL11A1 (collagen type XI alpha 1 chain; minus strand). Cytogenetic location: 1p21.1.
Variant type: single nucleotide variant.
Coding change: c.3197G>A on transcript NM_001854.4 (MANE Select); coding-DNA position 3197, G replaced by A.
Protein change: p.Gly1066Asp; replaces glycine 1066 with aspartic acid.
Molecular consequence: missense variant. On other transcripts: non-coding transcript variant (1).
Genome position (GRCh38, 1-based): chr1:102,946,928, C>T on the plus strand (G>A on the coding strand, the complement: COL11A1 is on the minus strand). VCF-style: chr1-102946928-C-T. GRCh37 (hg19) VCF-style: chr1-103412484-C-T.
Other names: c.3080G>A, p.Gly1027Asp (NM_001190709.2); c.3233G>A, p.Gly1078Asp (NM_080629.3); c.2849G>A, p.Gly950Asp (NM_080630.4); short protein forms G1066D, G1078D, G950D, G1027D.
Identifiers: ClinVar variation 4745944 (VCV004745944.1).

ClinVar aggregate classification (germline): Uncertain significance (1 of 4 stars; one submission).

gnomAD v4.1: 1 of 1,613,000 alleles (0.000062%); highest among the groups gnomAD compares: Non-Finnish European, 0.000085%; no homozygotes.

Submission:

Labcorp Genetics (formerly Invitae), Labcorp
Classification: Uncertain significance. Last evaluated: 2025-11-19. Review status: criteria provided, single submitter. Criteria: Invitae Variant Classification Sherloc (09022015). Collection method: clinical testing. Allele origin: germline.
Comment: This sequence change replaces glycine, which is neutral and non-polar, with aspartic acid, which is acidic and polar, at codon 1066 of the COL11A1 protein (p.Gly1066Asp). This variant is not present in population databases (gnomAD no frequency). This variant has not been reported in the literature in individuals affected with COL11A1-related conditions. Invitae Evidence Modeling of protein sequence and biophysical properties (such as structural, functional, and spatial information, amino acid conservation, physicochemical variation, residue mobility, and thermodynamic stability) indicates that this missense variant is expected to disrupt COL11A1 protein function with a positive predictive value of 80%. In summary, the available evidence is currently insufficient to determine the role of this variant in disease. Therefore, it has been classified as a Variant of Uncertain Significance.